The following is an entry in ClinVar:

NM_052947.4(ALPK2):c.607T>C (p.Tyr203His)

Gene: ALPK2 (alpha kinase 2; minus strand). Cytogenetic location: 18q21.31.
Variant type: single nucleotide variant.
Coding change: c.607T>C on transcript NM_052947.4 (MANE Select); coding-DNA position 607, T replaced by C.
Protein change: p.Tyr203His; replaces tyrosine 203 with histidine.
Molecular consequence: missense variant.
Genome position (GRCh38, 1-based): chr18:58,580,169, A>G on the plus strand (T>C on the coding strand, the complement: ALPK2 is on the minus strand). VCF-style: chr18-58580169-A-G. GRCh37 (hg19) VCF-style: chr18-56247401-A-G.
Other names: short protein forms Y203H.
Identifiers: ClinVar variation 1751444 (VCV001751444.3), dbSNP rs760038879, ClinGen allele CA8977416.

ClinVar aggregate classification (germline): Uncertain significance (1 of 4 stars; one submission).

Allele frequency attached by ClinVar (database versions not stated): ExAC 0.00002; gnomAD exomes 0.00002; TOPMed 0.00002.
gnomAD v4.1: 10 of 1,614,222 alleles (0.00062%); highest among the groups gnomAD compares: Admixed American, 0.017%; no homozygotes.

Submission:

Ambry Genetics
Classification: Uncertain significance. Last evaluated: 2024-05-16. Review status: criteria provided, single submitter. Criteria: Ambry Variant Classification Scheme 2023. Collection method: clinical testing. Allele origin: germline.
Comment: The p.Y203H variant (also known as c.607T>C), located in coding exon 3 of the ALPK2 gene, results from a T to C substitution at nucleotide position 607. The tyrosine at codon 203 is replaced by histidine, an amino acid with similar properties. This amino acid position is conserved. In addition, this alteration is predicted to be tolerated by in silico analysis. Since supporting evidence is limited at this time, the clinical significance of this alteration remains unclear.